The following is an entry in ClinVar:

NM_002519.3(NPAT):c.1001A>G (p.Tyr334Cys)

Gene: NPAT (nuclear protein, coactivator of histone transcription; minus strand). Cytogenetic location: 11q22.3.
Variant type: single nucleotide variant.
Coding change: c.1001A>G on transcript NM_002519.3 (MANE Select); coding-DNA position 1001, A replaced by G.
Protein change: p.Tyr334Cys; replaces tyrosine 334 with cysteine.
Molecular consequence: missense variant.
Genome position (GRCh38, 1-based): chr11:108,176,996, T>C on the plus strand (A>G on the coding strand, the complement: NPAT is on the minus strand). VCF-style: chr11-108176996-T-C. GRCh37 (hg19) VCF-style: chr11-108047723-T-C.
Other names: c.1001A>G, p.Tyr334Cys (NM_001321307.1); short protein forms Y334C.
Identifiers: ClinVar variation 1766922 (VCV001766922.2), dbSNP rs375259824, ClinGen allele CA6264117.

ClinVar aggregate classification (germline): Uncertain significance (1 of 4 stars; one submission).

Allele frequency attached by ClinVar (database versions not stated): gnomAD exomes below 0.00001; TOPMed below 0.00001; ExAC 0.00001; gnomAD 0.00001; ESP Exome Variant Server 0.00008.
gnomAD v4.1: 5 of 1,591,052 alleles (0.00031%); highest among the groups gnomAD compares: South Asian, 0.0011%; no homozygotes.

Submission:

Ambry Genetics
Classification: Uncertain significance. Last evaluated: 2022-02-14. Review status: criteria provided, single submitter. Criteria: Ambry Variant Classification Scheme 2023. Collection method: clinical testing. Allele origin: germline.
Comment: The p.Y334C variant (also known as c.1001A>G), located in coding exon 11 of the NPAT gene, results from an A to G substitution at nucleotide position 1001. The tyrosine at codon 334 is replaced by cysteine, an amino acid with highly dissimilar properties. This amino acid position is conserved. In addition, this alteration is predicted to be tolerated by in silico analysis. Since supporting evidence is limited at this time, the clinical significance of this alteration remains unclear.